The following is an entry in ClinVar:

NM_001385641.1(SAMD11):c.1909C>T (p.Pro637Ser)

Gene: SAMD11 (sterile alpha motif domain containing 11; plus strand). Cytogenetic location: 1p36.33.
Variant type: single nucleotide variant.
Coding change: c.1909C>T on transcript NM_001385641.1 (MANE Select); coding-DNA position 1909, C replaced by T.
Protein change: p.Pro637Ser; replaces proline 637 with serine.
Molecular consequence: missense variant.
Genome position (GRCh38, 1-based): chr1:942,914, C>T. VCF-style: chr1-942914-C-T. GRCh37 (hg19) VCF-style: chr1-878294-C-T.
Other names: c.1912C>T, p.Pro638Ser (NM_001385640.1); c.1420C>T, p.Pro474Ser (NM_152486.4); c.1420C>T (NM_152486.2); short protein forms P474S, P637S, P638S.
Identifiers: ClinVar variation 1007470 (VCV001007470.8), dbSNP rs778182277, ClinGen allele CA503018.

ClinVar aggregate classification (germline): Uncertain significance. Review status: criteria provided, multiple submitters, no conflicts (2 of 4 stars). 3 submissions from 3 submitters: Uncertain significance (3). Last evaluated 2025-06-04.

Allele frequency attached by ClinVar (database versions not stated): ExAC below 0.00001; gnomAD 0.00001 and 0.00002; TOPMed 0.00003; gnomAD exomes 0.00004.
gnomAD v4.1: 26 of 1,555,154 alleles (0.0017%); highest among the groups gnomAD compares: Admixed American, 0.012%; no homozygotes.

Submissions (3):

Ambry Genetics
Classification: Uncertain significance. Last evaluated: 2025-06-04. Review status: criteria provided, single submitter. Criteria: Ambry Variant Classification Scheme 2023. Collection method: clinical testing. Allele origin: germline.

Labcorp Genetics (formerly Invitae), Labcorp
Classification: Uncertain significance. Last evaluated: 2022-08-21. Review status: criteria provided, single submitter. Criteria: Invitae Variant Classification Sherloc (09022015). Collection method: clinical testing. Allele origin: germline.
Comment: This sequence change replaces proline, which is neutral and non-polar, with serine, which is neutral and polar, at codon 474 of the SAMD11 protein (p.Pro474Ser). This variant is present in population databases (rs778182277, gnomAD 0.01%). This variant has not been reported in the literature in individuals affected with SAMD11-related conditions. ClinVar contains an entry for this variant (Variation ID: 1007470). Algorithms developed to predict the effect of missense changes on protein structure and function output the following: SIFT: "Tolerated"; PolyPhen-2: "Benign"; Align-GVGD: "Class C0". The serine amino acid residue is found in multiple mammalian species, which suggests that this missense change does not adversely affect protein function. In summary, the available evidence is currently insufficient to determine the role of this variant in disease. Therefore, it has been classified as a Variant of Uncertain Significance.

Blueprint Genetics
Classification: Uncertain significance. Last evaluated: 2020-09-04. Review status: criteria provided, single submitter. Criteria: ACMG Guidelines, 2015. Collection method: clinical testing. Allele origin: germline.